The following is an entry in ClinVar:

NM_001308093.3(GATA4):c.454_455delinsTT (p.Ala152Phe)

Gene: GATA4 (GATA binding protein 4). Cytogenetic location: 8p23.1.
Variant type: Indel.
Coding change: c.454_455delinsTT on transcript NM_001308093.3 (MANE Select); coding-DNA positions 454 to 455, the reference bases replaced by TT.
Protein change: p.Ala152Phe; replaces alanine 152 with phenylalanine.
Molecular consequence: missense variant. On other transcripts: intron variant (3).
Genome position: GRCh38 VCF-style: chr8-11708766-GC-TT. GRCh37 (hg19) VCF-style: chr8-11566275-GC-TT.
Other names: c.454_455delinsTT, p.Ala152Phe (NM_002052.5); c.-6+7988_-6+7989delinsTT (NM_001308094.2); c.-3+752_-3+753delinsTT (NM_001374274.1); c.-3+4462_-3+4463delinsTT (NM_001374273.1); short protein forms A152F.
Identifiers: ClinVar variation 842343 (VCV000842343.7), dbSNP rs1800020370, ClinGen allele CA916082974.

ClinVar aggregate classification (germline): Uncertain significance (1 of 4 stars; one submission).

Conditions:
Atrioventricular septal defect 4 (AVSD4). Identifiers: MedGen C3280781, MONDO:0013747, OMIM 614430.

Submission:

Labcorp Genetics (formerly Invitae), Labcorp
Classification: Uncertain significance for Atrioventricular septal defect 4. Last evaluated: 2022-07-05. Review status: criteria provided, single submitter. Criteria: Invitae Variant Classification Sherloc (09022015). Collection method: clinical testing. Allele origin: germline.
Comment: This variant has not been reported in the literature in individuals affected with GATA4-related conditions. In summary, the available evidence is currently insufficient to determine the role of this variant in disease. Therefore, it has been classified as a Variant of Uncertain Significance. Algorithms developed to predict the effect of missense changes on protein structure and function are either unavailable or do not agree on the potential impact of this missense change (SIFT: "Not Available"; PolyPhen-2: "Possibly Damaging"; Align-GVGD: "Not Available"). ClinVar contains an entry for this variant (Variation ID: 842343). Information on the frequency of this variant in the gnomAD database is not available, as this variant may be reported differently in the database. This sequence change replaces alanine, which is neutral and non-polar, with phenylalanine, which is neutral and non-polar, at codon 152 of the GATA4 protein (p.Ala152Phe).